The following is an entry in ClinVar:

ClinVar aggregate classification (germline): Pathogenic (1 of 4 stars; one submission).

Conditions:
Carnitine palmitoyl transferase 1A deficiency. Also called: CPT deficiency, hepatic, type IA; CPT I DEFICIENCY; CPT DEFICIENCY, HEPATIC, TYPE I; Carnitine palmitoyltransferase 1A deficiency; Carnitine palmitoyltransferase type I deficiency. Identifiers: Orphanet 156, MedGen C1829703, MONDO:0009705, OMIM 255120.

Submission:

University of Washington Department of Laboratory Medicine, University of Washington
Classification: Pathogenic for Carnitine palmitoyl transferase 1A deficiency. Last evaluated: 2023-04-24. Review status: criteria provided, single submitter. Criteria: ACMG Guidelines, 2015. Collection method: clinical testing. Allele origin: unknown. Affected: yes.
Comment: This variant was absent from large population databases, including the Genome Aggregation Database. Enzymatic analysis performed on skin fibroblasts from this individual demonstrated decreased of carnitine palmitoyltransferase 1 (CPT 1) enzyme activity. Additionally, a different amino acid change at this residue (p.Val336Met) has been previously reported in a compound heterozygous state with a frameshift variant in an individual with carnitine palmitoyltransferase 1A deficiency (Bellusci 2017), suggesting that this residue is sensitive to variation. Using ACMG guidelines, this variant was classified as pathogenic for autosomal recessive carnitine palmitoyltransferase 1A deficiency (ACMG evidence codes used: PS3_very strong, PM2_supporting PM3_supporting, PM5).

NM_001876.4(CPT1A):c.1007T>A (p.Val336Glu)

Gene: CPT1A (carnitine palmitoyltransferase 1A; minus strand). Cytogenetic location: 11q13.3.
Variant type: single nucleotide variant.
Coding change: c.1007T>A on transcript NM_001876.4 (MANE Select); coding-DNA position 1007, T replaced by A.
Protein change: p.Val336Glu; replaces valine 336 with glutamic acid.
Molecular consequence: missense variant.
Genome position (GRCh38, 1-based): chr11:68,784,971, A>T on the plus strand (T>A on the coding strand, the complement: CPT1A is on the minus strand). VCF-style: chr11-68784971-A-T. GRCh37 (hg19) VCF-style: chr11-68552439-A-T.
Other names: c.1007T>A (NM_001876.3); c.1007T>A, p.Val336Glu (NM_001031847.3); short protein forms V336E.
Identifiers: ClinVar variation 3777130 (VCV003777130.1).
Genomic context (GRCh38, chr11:68,784,971, plus strand): 5'-GGCTTCAGCAGCCGCCCATCATGGTAGAGCCAGACCTTGAAGTAGCGTCCTCGATGGTAC[A>T]CGACGATGTGCTTGCTGTCTCTCATGTGCTGGATGGTGTCTGAGCCGGCCGCAGGTTGGA-3'
Protein context (NP_001867.2, residues 326-346): QHMRDSKHIV[Val336Glu]YHRGRYFKVW